The following is an entry in ClinVar:

ClinVar aggregate classification (germline): Uncertain significance (1 of 4 stars; one submission).

Submission:

Labcorp Genetics (formerly Invitae), Labcorp
Classification: Uncertain significance. Last evaluated: 2022-11-22. Review status: criteria provided, single submitter. Criteria: Invitae Variant Classification Sherloc (09022015). Collection method: clinical testing. Allele origin: germline.
Comment: In summary, the available evidence is currently insufficient to determine the role of this variant in disease. Therefore, it has been classified as a Variant of Uncertain Significance. Variants that disrupt the consensus splice site are a relatively common cause of aberrant splicing (PMID: 17576681, 9536098). Algorithms developed to predict the effect of sequence changes on RNA splicing suggest that this variant may disrupt the consensus splice site. This variant has not been reported in the literature in individuals affected with ARL2BP-related conditions. This variant is not present in population databases (gnomAD no frequency). This sequence change falls in intron 3 of the ARL2BP gene. It does not directly change the encoded amino acid sequence of the ARL2BP protein. It affects a nucleotide within the consensus splice site.

Literature cited by the submitters: PubMed 17576681; PubMed 9536098.

NM_012106.4(ARL2BP):c.207+5G>A

Gene: ARL2BP (ARF like GTPase 2 binding protein; plus strand). Cytogenetic location: 16q13.
Variant type: single nucleotide variant.
Coding change: c.207+5G>A on transcript NM_012106.4 (MANE Select); 5 bases into the intron after coding-DNA position 207, G replaced by A.
Molecular consequence: intron variant.
Genome position (GRCh38, 1-based): chr16:57,248,648, G>A. VCF-style: chr16-57248648-G-A. GRCh37 (hg19) VCF-style: chr16-57282560-G-A.
Identifiers: ClinVar variation 1950354 (VCV001950354.5), dbSNP rs2545932074, ClinGen allele CA2580091697.